The following is an entry in ClinVar:

ClinVar aggregate classification (germline): Uncertain significance. Review status: criteria provided, multiple submitters, no conflicts (2 of 4 stars). 2 submissions from 2 submitters: Uncertain significance (2). Last evaluated 2025-02-03.

Conditions:
Inborn genetic diseases. Identifiers: MedGen C0950123, MeSH D030342.

gnomAD v4.1: 11 of 1,613,832 alleles (0.00068%); highest among the groups gnomAD compares: East Asian, 0.0045%; no homozygotes.

Submissions (2):

Ambry Genetics
Classification: Uncertain significance for Inborn genetic diseases. Last evaluated: 2025-02-03. Review status: criteria provided, single submitter. Criteria: Ambry Variant Classification Scheme 2023. Collection method: clinical testing. Allele origin: germline.
Comment: The p.R1043C variant (also known as c.3127C>T), located in coding exon 24 of the ANKRD26 gene, results from a C to T substitution at nucleotide position 3127. The arginine at codon 1043 is replaced by cysteine, an amino acid with highly dissimilar properties. This amino acid position is conserved. In addition, this alteration is predicted to be tolerated by in silico analysis. Based on the available evidence, the clinical significance of this variant remains unclear.

Labcorp Genetics (formerly Invitae), Labcorp
Classification: Uncertain significance. Last evaluated: 2024-02-23. Review status: criteria provided, single submitter. Criteria: Invitae Variant Classification Sherloc (09022015). Collection method: clinical testing. Allele origin: germline.
Comment: This sequence change replaces arginine, which is basic and polar, with cysteine, which is neutral and slightly polar, at codon 1043 of the ANKRD26 protein (p.Arg1043Cys). This variant is present in population databases (rs747235370, gnomAD 0.01%). This variant has not been reported in the literature in individuals affected with ANKRD26-related conditions. Algorithms developed to predict the effect of missense changes on protein structure and function output the following: SIFT: "Not Available"; PolyPhen-2: "Benign"; Align-GVGD: "Not Available". The cysteine amino acid residue is found in multiple mammalian species, which suggests that this missense change does not adversely affect protein function. In summary, the available evidence is currently insufficient to determine the role of this variant in disease. Therefore, it has been classified as a Variant of Uncertain Significance.

NM_014915.3(ANKRD26):c.3127C>T (p.Arg1043Cys)

Gene: ANKRD26 (ankyrin repeat domain 26; minus strand). Cytogenetic location: 10p12.1.
Variant type: single nucleotide variant.
Coding change: c.3127C>T on transcript NM_014915.3 (MANE Select); coding-DNA position 3127, C replaced by T.
Protein change: p.Arg1043Cys; replaces arginine 1043 with cysteine.
Molecular consequence: missense variant.
Genome position (GRCh38, 1-based): chr10:27,035,323, G>A on the plus strand (C>T on the coding strand, the complement: ANKRD26 is on the minus strand). VCF-style: chr10-27035323-G-A. GRCh37 (hg19) VCF-style: chr10-27324252-G-A.
Other names: c.3124C>T, p.Arg1042Cys (NM_001256053.2); short protein forms R1043C, R1042C.
Identifiers: ClinVar variation 3717209 (VCV003717209.3).